The following is an entry in ClinVar:

NM_201253.3(CRB1):c.774C>A (p.His258Gln)

Gene: CRB1 (crumbs cell polarity complex component 1; plus strand). Cytogenetic location: 1q31.3.
Variant type: single nucleotide variant.
Coding change: c.774C>A on transcript NM_201253.3 (MANE Select); coding-DNA position 774, C replaced by A.
Protein change: p.His258Gln; replaces histidine 258 with glutamine.
Molecular consequence: missense variant. On other transcripts: non-coding transcript variant (2), intron variant (1).
Genome position (GRCh38, 1-based): chr1:197,344,402, C>A. VCF-style: chr1-197344402-C-A. GRCh37 (hg19) VCF-style: chr1-197313532-C-A.
Other names: c.567C>A, p.His189Gln (NM_001257965.2); c.774C>A, p.His258Gln (NM_001257966.2); c.653-12429C>A (NM_001193640.2); short protein forms H258Q, H189Q.
Identifiers: ClinVar variation 1372388 (VCV001372388.6), dbSNP rs2125328459, ClinGen allele CA344083367.

ClinVar aggregate classification (germline): Uncertain significance (1 of 4 stars; one submission).

Conditions:
Retinitis pigmentosa 12 (RP12). Also called: RP WITH OR WITHOUT PPRPE; RP WITH OR WITHOUT PRESERVED PARAARTERIOLE RETINAL PIGMENT EPITHELIUM; RETINITIS PIGMENTOSA WITH OR WITHOUT PARAARTERIOLAR PRESERVATION OF RETINAL PIGMENT EPITHELIUM. Identifiers: Orphanet 791, MedGen C1838647, MONDO:0010818, OMIM 600105.
Leber congenital amaurosis 8 (LCA8). Identifiers: Orphanet 65, MedGen C3151202, MONDO:0013453, OMIM 613835.

Submission:

Labcorp Genetics (formerly Invitae), Labcorp
Classification: Uncertain significance for Leber congenital amaurosis 8; Retinitis pigmentosa 12. Last evaluated: 2022-07-19. Review status: criteria provided, single submitter. Criteria: Invitae Variant Classification Sherloc (09022015). Collection method: clinical testing. Allele origin: germline.
Comment: In summary, the available evidence is currently insufficient to determine the role of this variant in disease. Therefore, it has been classified as a Variant of Uncertain Significance. Advanced modeling of protein sequence and biophysical properties (such as structural, functional, and spatial information, amino acid conservation, physicochemical variation, residue mobility, and thermodynamic stability) performed at Invitae indicates that this missense variant is not expected to disrupt CRB1 protein function. ClinVar contains an entry for this variant (Variation ID: 1372388). This variant has not been reported in the literature in individuals affected with CRB1-related conditions. This variant is not present in population databases (gnomAD no frequency). This sequence change replaces histidine, which is basic and polar, with glutamine, which is neutral and polar, at codon 258 of the CRB1 protein (p.His258Gln).